The following is an entry in ClinVar:

NM_007294.4(BRCA1):c.841A>G (p.Ser281Gly)

Gene: BRCA1 (BRCA1 DNA repair associated; minus strand). Cytogenetic location: 17q21.31.
Variant type: single nucleotide variant.
Coding change: c.841A>G on transcript NM_007294.4 (MANE Select); coding-DNA position 841, A replaced by G.
Protein change: p.Ser281Gly; replaces serine 281 with glycine.
Molecular consequence: missense variant. On other transcripts: intron variant (137), 5 prime UTR variant (2).
Genome position (GRCh38, 1-based): chr17:43,094,690, T>C on the plus strand (A>G on the coding strand, the complement: BRCA1 is on the minus strand). VCF-style: chr17-43094690-T-C. GRCh37 (hg19) VCF-style: chr17-41246707-T-C.
Other names: c.628A>G, p.Ser210Gly (NM_001407571.1, NM_001407853.1, NM_001407894.1 and 9 more transcripts); c.841A>G, p.Ser281Gly (NM_001407581.1, NM_001407582.1, NM_001407583.1 and 30 more transcripts); c.838A>G, p.Ser280Gly (NM_001407587.1, NM_001407590.1, NM_001407591.1 and 22 more transcripts); c.832A>G, p.Ser278Gly (NM_001407646.1, NM_001407647.1); c.718A>G, p.Ser240Gly (NM_001407648.1, NM_001407664.1, NM_001407665.1 and 19 more transcripts); c.715A>G, p.Ser239Gly (NM_001407649.1, NM_001407670.1, NM_001407671.1 and 11 more transcripts); c.763A>G, p.Ser255Gly (NM_001407653.1, NM_001407654.1, NM_001407655.1 and 4 more transcripts); c.760A>G, p.Ser254Gly (NM_001407659.1, NM_001407660.1, NM_001407661.1 and 1 more transcripts); and 40 more; short protein forms S281G, S234G, S113G, S153G, S254G, S255G, S170G, S233G.
Identifiers: ClinVar variation 482900 (VCV000482900.10), dbSNP rs1300771163, ClinGen allele CA10600402.

ClinVar aggregate classification (germline): Conflicting classifications of pathogenicity. Review status: criteria provided, conflicting classifications (1 of 4 stars). 3 submissions from 3 submitters: Uncertain significance (1); Likely benign (2). Last evaluated 2025-04-19.

Conditions:
Hereditary breast ovarian cancer syndrome. Also called: Hereditary breast and ovarian cancer syndrome; Hereditary breast and ovarian cancer; Hereditary breast and ovarian cancer syndrome (HBOC); Breast and ovarian cancer; Hereditary breast and/or ovarian cancer syndrome; BRCA1- and BRCA2-Associated Hereditary Breast and Ovarian Cancer. Identifiers: Orphanet 145, MedGen C0677776, MeSH D061325, MONDO:0003582. Disease mechanism: loss of function.
Hereditary cancer-predisposing syndrome. Also called: Neoplastic Syndromes, Hereditary; Tumor predisposition; Hereditary Cancer Syndrome; Hereditary neoplastic syndrome. Identifiers: Orphanet 140162, MedGen C0027672, MeSH D009386, MONDO:0015356.

Submissions (3):

Ambry Genetics
Classification: Uncertain significance for Hereditary cancer-predisposing syndrome. Last evaluated: 2025-04-19. Review status: criteria provided, single submitter. Criteria: Ambry Variant Classification Scheme 2023. Collection method: clinical testing. Allele origin: germline.
Comment: The p.S281G variant (also known as c.841A>G), located in coding exon 9 of the BRCA1 gene, results from an A to G substitution at nucleotide position 841. The serine at codon 281 is replaced by glycine, an amino acid with similar properties. This amino acid position is well conserved in available vertebrate species. In addition, the in silico prediction for this alteration is inconclusive. Based on the available evidence, the clinical significance of this variant remains unclear.

German Consortium for Hereditary Breast and Ovarian Cancer, University Hospital Cologne
Classification: Likely benign for Hereditary breast ovarian cancer syndrome. Last evaluated: 2023-10-19. Review status: criteria provided, single submitter. Criteria: ACMG Guidelines, 2015. Collection method: curation. Allele origin: germline.
Comment: BP1_strong, Coldspot variant according to ClinGen BRCA1/2 ACMG Criteria (ENIGMA), spliceAI no impact predicted (0.0), PM2_sup (not in gnomAD). According to the ACMG standard criteria we chose these criteria: PM2 (supporting pathogenic): Not in gnomAD, BP1 (strong benign): BP1_strong, Coldspot variant according to ClinGen BRCA1/2 ACMG Criteria (ENIGMA), spliceAI no impact predicted (0.0),

University of Washington Department of Laboratory Medicine, University of Washington
Classification: Likely benign for Hereditary cancer-predisposing syndrome. Last evaluated: 2023-03-23. Review status: criteria provided, single submitter. Criteria: Dines et al. (Genet Med. 2020). Collection method: curation. Allele origin: germline.
Comment: Missense variant in a coldspot region where missense variants are very unlikely to be pathogenic (PMID:31911673).

BRCA1 coldspot (exon 11 using historical exon numbering). Reclassification based on statistical prior probability